The following is an entry in ClinVar:

ClinVar aggregate classification (germline): Conflicting classifications of pathogenicity. Review status: criteria provided, conflicting classifications (1 of 4 stars). 2 submissions from 2 submitters: Uncertain significance (1); Likely benign (1). Last evaluated 2023-08-15.

Conditions:
Tuberous sclerosis 1 (TSC1). Identifiers: Orphanet 805, MedGen C1854465, MONDO:0008612, OMIM 191100.
Tuberous sclerosis syndrome (TSC). Also called: Tuberous sclerosis; Tuberous Sclerosis Complex. Identifiers: Orphanet 805, MedGen C0041341, MONDO:0001734.

Submissions (2):

All of Us Research Program, National Institutes of Health
Classification: Uncertain significance for Tuberous sclerosis syndrome. Last evaluated: 2023-08-15. Review status: criteria provided, single submitter. Criteria: ACMG Guidelines, 2015. Collection method: clinical testing. Allele origin: germline. Inheritance: Autosomal dominant inheritance. Observed: 1 variant allele, 1 heterozygote.
Comment: This variant causes a C to G nucleotide substitution at the -15 position of intron 14 of the TSC1 gene. Splice site prediction tools suggest that this variant may not impact RNA splicing. To our knowledge, functional studies have not been reported for this variant. This variant has not been reported in individuals affected with TSC1-related disorders in the literature. This variant has not been identified in the general population by the Genome Aggregation Database (gnomAD). The available evidence is insufficient to determine the role of this variant in disease conclusively. Therefore, this variant is classified as a Variant of Uncertain Significance.

This study involves interpretation of variants in research participants for the purpose of population health screening. Participant phenotype was not available at the time of variant classification. Additional details can be found in publication PMID: 35346344, PMCID: PMC8962531

Labcorp Genetics (formerly Invitae), Labcorp
Classification: Likely benign for Tuberous sclerosis 1. Last evaluated: 2022-06-27. Review status: criteria provided, single submitter. Criteria: Invitae Variant Classification Sherloc (09022015). Collection method: clinical testing. Allele origin: germline.

NM_000368.5(TSC1):c.1439-15C>G

Gene: TSC1 (TSC complex subunit 1; minus strand). Cytogenetic location: 9q34.13.
Variant type: single nucleotide variant.
Coding change: c.1439-15C>G on transcript NM_000368.5 (MANE Select); 15 bases into the intron before coding-DNA position 1439, C replaced by G.
Molecular consequence: intron variant.
Genome position (GRCh38, 1-based): chr9:132,906,154, G>C on the plus strand (C>G on the coding strand, the complement: TSC1 is on the minus strand). VCF-style: chr9-132906154-G-C. GRCh37 (hg19) VCF-style: chr9-135781541-G-C.
Other names: c.1076-15C>G (NM_001362177.2); c.1286-15C>G (NM_001162427.2); c.1436-15C>G (NM_001162426.2).
Identifiers: ClinVar variation 2091949 (VCV002091949.5), dbSNP rs763538221, ClinGen allele CA2580079952.